The following continues an entry in ClinVar:

NM_007294.4(BRCA1):c.3759dup (p.Lys1254Ter)

ClinVar aggregate classification (germline): Pathogenic. Pathogenic (1).

Submissions 10 to 19 of 19:

Department of Pathology and Laboratory Medicine, Sinai Health System
Classification: Pathogenic for Familial cancer of breast; Breast-ovarian cancer, familial, susceptibility to, 1; Fanconi anemia, complementation group S. Last evaluated: 2022-08-16. Review status: criteria provided, single submitter. Criteria: ACMG Guidelines, 2015. Collection method: clinical testing. Allele origin: germline. Affected: no. Not counted in ClinVar's aggregate classification.

Baylor Genetics
Classification: Pathogenic for Breast-ovarian cancer, familial, susceptibility to, 1. Last evaluated: 2021-09-01. Review status: criteria provided, single submitter. Criteria: ACMG Guidelines, 2015. Collection method: clinical testing. Allele origin: unknown. Not counted in ClinVar's aggregate classification.

Laboratory for Molecular Medicine, Mass General Brigham Personalized Medicine
Classification: Pathogenic for Hereditary breast ovarian cancer syndrome. Last evaluated: 2019-10-14. Review status: criteria provided, single submitter. Criteria: ACMG Guidelines, 2015. Collection method: clinical testing. Allele origin: germline. Not counted in ClinVar's aggregate classification.
Comment: The p.Lys1254X variant (resulting from c.3759dupT) in BRCA1 has been reported in >20 individuals with breast or ovarian cancer (Greenman 1998, van Orsouw 1999, de Juan Jimenez 2013, Alvarez 2017, BIC database). It was absent from large population studies. This frameshift variant leads to a premature termination codon at position 1254, which is predicted to lead to a truncated or absent protein. Loss of function of the BRCA1 gene is an established disease mechanism in autosomal dominant hereditary breast and ovarian cancer syndrome (HBOC). Additionally, this variant was classified as Pathogenic on Sept 8, 2016 by the ClinGen-approved ENIGMA expert panel (Variation ID: 54992). In summary, this variant meets criteria to be classified as pathogenic for autosomal dominant HBOC. ACMG/AMP Criteria applied: PVS1, PM2, PS4.

Clinical Genetics and Genomics, Karolinska University Hospital
Classification: Pathogenic. Last evaluated: 2017-05-17. Review status: criteria provided, single submitter. Criteria: ACMG Guidelines, 2015. Collection method: clinical testing. Allele origin: germline. Affected: yes. Observed: 3 variant alleles. Not counted in ClinVar's aggregate classification.

Department of Pathology and Molecular Medicine, Queen's University
Classification: Pathogenic for Hereditary breast ovarian cancer syndrome. Last evaluated: 2017-04-20. Review status: criteria provided, single submitter. Criteria: ACMG Guidelines, 2015. Collection method: clinical testing. Allele origin: germline. Study: The Canadian Open Genetics Repository (COGR). Not counted in ClinVar's aggregate classification.

Consortium of Investigators of Modifiers of BRCA1/2 (CIMBA), c/o University of Cambridge
Classification: Pathogenic for Breast-ovarian cancer, familial, susceptibility to, 1. Last evaluated: 2015-10-02. Review status: criteria provided, single submitter. Criteria: CIMBA Mutation Classification guidelines May 2016. Collection method: clinical testing. Allele origin: germline. Not counted in ClinVar's aggregate classification.

BRCAlab, Lund University
Classification: Pathogenic for Breast-ovarian cancer, familial, susceptibility to, 1. Last evaluated: 2022-08-26. Review status: no assertion criteria provided. Collection method: clinical testing. Allele origin: germline. Affected: yes. Not counted in ClinVar's aggregate classification.

Research Molecular Genetics Laboratory, Women's College Hospital, University of Toronto
Classification: Pathogenic for Hereditary breast ovarian cancer syndrome. Last evaluated: 2014-01-31. Review status: no assertion criteria provided. Collection method: research. Allele origin: germline. Affected: yes. Study: The Canadian Open Genetics Repository (COGR). Not counted in ClinVar's aggregate classification.

Sharing Clinical Reports Project (SCRP)
Classification: Pathogenic for Breast-ovarian cancer, familial 1. Last evaluated: 2008-03-26. Review status: no assertion criteria provided. Collection method: clinical testing. Allele origin: germline. Not counted in ClinVar's aggregate classification.

Breast Cancer Information Core (BIC) (BRCA1)
Classification: Pathogenic for Breast-ovarian cancer, familial 1. Last evaluated: 2002-05-29. Review status: no assertion criteria provided. Collection method: clinical testing. Allele origin: germline. Affected: yes. Observed: 12 variant alleles. Not counted in ClinVar's aggregate classification.

Literature cited by the submitters: PubMed 20104584 (cited by Labcorp Genetics (formerly Invitae), Labcorp); PubMed 9523200 (cited by 6 submitters); PubMed 10528853 (cited by 6 submitters); PubMed 23479189 (cited by 6 submitters); PubMed 29088781 (cited by 3 submitters); PubMed 32375709 (cited by Dasa); PubMed 21989022 (cited by Dasa); PubMed 11802209 (cited by Dasa); PubMed 31897316 (cited by Quest Diagnostics Nichols Institute San Juan Capistrano); PubMed 31125277 (cited by Quest Diagnostics Nichols Institute San Juan Capistrano); PubMed 33087929 (cited by Quest Diagnostics Nichols Institute San Juan Capistrano); PubMed 34680387 (cited by Quest Diagnostics Nichols Institute San Juan Capistrano and Color Diagnostics, LLC DBA Color Health); PubMed 26295337 (cited by Quest Diagnostics Nichols Institute San Juan Capistrano); PubMed 16267036 (cited by Women's Health and Genetics/Laboratory Corporation of America, LabCorp and Color Diagnostics, LLC DBA Color Health).